The following is an entry in ClinVar:

ClinVar aggregate classification (germline): Uncertain significance (1 of 4 stars; one submission).

Conditions:
ADCY3-related disorder. Also called: ADCY3-related condition.

Submission:

PreventionGenetics, part of Exact Sciences
Classification: Uncertain significance for ADCY3-related condition. Last evaluated: 2025-05-29. Review status: criteria provided, single submitter. Criteria: ACMG Guidelines, 2015. Collection method: clinical testing. Allele origin: germline.
Comment: The ADCY3 c.2911G>C variant is predicted to result in the amino acid substitution p.Val971Leu. To our knowledge, this variant has not been reported in the literature or in a large population database (gnomAD), indicating this variant is rare. At this time, the clinical significance of this variant is uncertain due to the absence of conclusive functional and genetic evidence.

NM_004036.5(ADCY3):c.2908G>C (p.Val970Leu)

Gene: ADCY3 (adenylate cyclase 3; minus strand). Cytogenetic location: 2p23.3.
Variant type: single nucleotide variant.
Coding change: c.2908G>C on transcript NM_004036.5 (MANE Select); coding-DNA position 2908, G replaced by C.
Protein change: p.Val970Leu; replaces valine 970 with leucine.
Molecular consequence: missense variant.
Genome position (GRCh38, 1-based): chr2:24,822,606, C>G on the plus strand (G>C on the coding strand, the complement: ADCY3 is on the minus strand). VCF-style: chr2-24822606-C-G. GRCh37 (hg19) VCF-style: chr2-25045475-C-G.
Other names: c.2911G>C, p.Val971Leu (NM_001320613.2); c.2974G>C, p.Val992Leu (NM_001377128.1); c.2770G>C, p.Val924Leu (NM_001377129.1); c.2356G>C, p.Val786Leu (NM_001377130.1); c.2185G>C, p.Val729Leu (NM_001377131.1); c.2908G>C, p.Val970Leu (NM_001377132.1); short protein forms V924L, V970L, V992L, V786L, V729L, V971L.
Identifiers: ClinVar variation 4998376 (VCV004998376.1).